The following is an entry in ClinVar:

NM_001330260.2(SCN8A):c.2300C>T (p.Thr767Ile)

Gene: SCN8A (sodium voltage-gated channel alpha subunit 8; plus strand). Cytogenetic location: 12q13.13.
Variant type: single nucleotide variant.
Coding change: c.2300C>T on transcript NM_001330260.2 (MANE Select); coding-DNA position 2300, C replaced by T.
Protein change: p.Thr767Ile; replaces threonine 767 with isoleucine.
Molecular consequence: missense variant.
Genome position (GRCh38, 1-based): chr12:51,751,523, C>T. VCF-style: chr12-51751523-C-T. GRCh37 (hg19) VCF-style: chr12-52145307-C-T.
Other names: c.2300C>T (NM_014191.3); c.2300C>T, p.Thr767Ile (NM_001177984.3, NM_001369788.1, NM_014191.4); short protein forms T767I.
Identifiers: ClinVar variation 208500 (VCV000208500.15), dbSNP rs797045013, ClinGen allele CA204472.

ClinVar aggregate classification (germline): Pathogenic/Likely pathogenic. Review status: criteria provided, multiple submitters, no conflicts (2 of 4 stars). 4 submissions from 4 submitters: Pathogenic (1); Likely pathogenic (2). 1 of the submissions does not count toward it. Last evaluated 2022-08-31.

Conditions:
Early-infantile DEE. Also called: Early infantile epileptic encephalopathy with suppression bursts; Early infantile epileptic encephalopathy; Ohtahara syndrome. Identifiers: Orphanet 1934, MedGen C0393706, MONDO:0800491.
Inborn genetic diseases. Identifiers: MedGen C0950123, MeSH D030342.
Seizures, benign familial infantile, 5 (BFIS5). Also called: CONVULSIONS, BENIGN FAMILIAL INFANTILE, 5. Identifiers: Orphanet 306, MedGen C4310728, MONDO:0014903, OMIM 617080.
Developmental and epileptic encephalopathy, 13 (DEE13). Also called: SCN8A-Related Epilepsy; Developmental and Epileptic Encephalopathy (SCN8A-DEE); Early infantile epileptic encephalopathy 13. Identifiers: Orphanet 442835, MedGen C3281191, MONDO:0013801, OMIM 614558.

Submissions (5):

Labcorp Genetics (formerly Invitae), Labcorp
Classification: Pathogenic for Early-infantile DEE. Last evaluated: 2022-08-31. Review status: criteria provided, single submitter. Criteria: Invitae Variant Classification Sherloc (09022015). Collection method: clinical testing. Allele origin: germline.
Comment: For these reasons, this variant has been classified as Pathogenic. Experimental studies have shown that this missense change affects SCN8A function (PMID: 24874546). Algorithms developed to predict the effect of missense changes on protein structure and function are either unavailable or do not agree on the potential impact of this missense change (SIFT: "Deleterious"; PolyPhen-2: "Benign"; Align-GVGD: "Class C0"). ClinVar contains an entry for this variant (Variation ID: 208500). This missense change has been observed in individual(s) with clinical features of SCN8A-related conditions (PMID: 24874546, 30171078). In at least one individual the variant was observed to be de novo. This variant is not present in population databases (gnomAD no frequency). This sequence change replaces threonine, which is neutral and polar, with isoleucine, which is neutral and non-polar, at codon 767 of the SCN8A protein (p.Thr767Ile).

Baylor Genetics
Classification: Likely pathogenic for Developmental and epileptic encephalopathy, 13; Seizures, benign familial infantile, 5. Last evaluated: 2017-12-31. Review status: criteria provided, single submitter. Criteria: ACMG Guidelines, 2015. Collection method: clinical testing. Allele origin: germline. Affected: yes.

Ambry Genetics
Classification: Likely pathogenic for Inborn genetic diseases. Last evaluated: 2017-07-06. Review status: criteria provided, single submitter. Criteria: Ambry Variant Classification Scheme 2023. Collection method: clinical testing. Allele origin: germline.
Comment: The p.T767I variant (also known as c.2300C>T), located in coding exon 13 of the SCN8A gene, results from a C to T substitution at nucleotide position 2300. The threonine at codon 767 is replaced by isoleucine, an amino acid with similar properties. De novo occurrence of this variant has been reported in a patient with profound developmental delay, intellectual disability and intractable epilepsy (Estacion M et al. Neurobiol. Dis., 2014 Sep;69:117-23). In neuronal cells, this variant caused enhanced channel activation and increased ramp current. Pyramidal hippocampal neurons expressing the mutant channel also exhibited increased spontaneous firing and frequency of evoked action potentials. This amino acid position is highly conserved in available vertebrate species. In addition, this alteration is predicted to be deleterious by in silico analysis. Based on the majority of available evidence to date, this variant is likely to be pathogenic.

Mendelics
Classification: Pathogenic for Early infantile epileptic encephalopathy 13. Last evaluated: 2014-07-01. Review status: no assertion criteria provided. Collection method: clinical testing. Allele origin: de novo. Affected: yes. Not counted in ClinVar's aggregate classification.

Channelopathy-Associated Epilepsy Research Center
No classification provided (evidence only). Condition: Complex neurodevelopmental disorder. Review status: no classification provided. Collection method: literature only. Allele origin: not applicable. Functional consequence: Normal peak current, Severe hyperpolarizing shift of voltage dependence of activation, Decrease in slope of activation, Normal slope of fast inactivation, Normal voltage dependence of fast inactivation, Normal rate of recovery from fast inactivation, Moderate increase in persistent current, Increase in resurgent current, Overall gain-of-function effect with respect to biophysical channel activity. Not counted in ClinVar's aggregate classification.
ClinVar note: "not provided" was previously submitted as the classification for the variant. However, the classification appeared to be based only on an observation of functional data so it was converted to no classification on 2025-07-30.

Literature cited by the submitters: PubMed 24874546 (cited by 3 submitters); PubMed 30171078 (cited by Labcorp Genetics (formerly Invitae), Labcorp); PubMed 24194747 (cited by Mendelics); PubMed 31715021 (cited by Channelopathy-Associated Epilepsy Research Center).